The following is an entry in ClinVar:

ClinVar aggregate classification (germline): Uncertain significance. Review status: criteria provided, multiple submitters, no conflicts (2 of 4 stars). 4 submissions from 4 submitters: Uncertain significance (4). Last evaluated 2025-12-03.

Conditions:
Intellectual developmental disorder with poor growth and with or without seizures or ataxia. Identifiers: MedGen C5394135, MONDO:0032930, OMIM 618808.

Allele frequency attached by ClinVar (database versions not stated): ExAC 0.00005; gnomAD 0.00010; TOPMed 0.00013; ESP Exome Variant Server 0.00023; gnomAD exomes 0.00001.
gnomAD v4.1: 37 of 1,610,126 alleles (0.0023%); highest among the groups gnomAD compares: African/African-American, 0.046%; no homozygotes.

Submissions (4):

Ambry Genetics
Classification: Uncertain significance. Last evaluated: 2025-12-03. Review status: criteria provided, single submitter. Criteria: Ambry Variant Classification Scheme 2023. Collection method: clinical testing. Allele origin: germline.

Dasa
Classification: Uncertain significance. Last evaluated: 2025-05-21. Review status: criteria provided, single submitter. Criteria: DASA Assertion Criteria. Collection method: clinical testing. Allele origin: germline.
Comment: NM_001606.5(ABCA2):c.6116A>G (p.Gln2039Arg) is a missense variant that results in the substitution of glutamine with arginine. This variant is rare in population databases. Computational prediction algorithms are consistent with a benign effect. The currently available literature and clinical evidence are not sufficient to establish a definitive association between this variant and the reported condition. Therefore, this variant is classified as a variant of uncertain significance.

GeneDx
Classification: Uncertain significance. Last evaluated: 2023-08-20. Review status: criteria provided, single submitter. Criteria: GeneDx Variant Classification Process June 2021. Collection method: clinical testing. Allele origin: germline. Affected: yes.
Comment: Has not been previously published as pathogenic or benign to our knowledge; In silico analysis supports that this missense variant does not alter protein structure/function

Revvity Omics, Revvity
Classification: Uncertain significance for Intellectual developmental disorder with poor growth and with or without seizures or ataxia. Last evaluated: 2021-11-02. Review status: criteria provided, single submitter. Criteria: ACMG Guidelines, 2015. Collection method: clinical testing. Allele origin: germline.

NM_001606.5(ABCA2):c.6116A>G (p.Gln2039Arg)

Genes: ABCA2 (ATP binding cassette subfamily A member 2; minus strand), LOC126860796 (CDK7 strongly-dependent group 2 enhancer GRCh37_chr9:139904888-139906087; plus strand). Cytogenetic location: 9q34.3.
Variant type: single nucleotide variant.
Coding change: c.6116A>G on transcript NM_001606.5 (MANE Select); coding-DNA position 6116, A replaced by G.
Protein change: p.Gln2039Arg; replaces glutamine 2039 with arginine.
Molecular consequence: missense variant.
Genome position (GRCh38, 1-based): chr9:137,010,678, T>C on the plus strand (A>G on the coding strand, the complement: ABCA2 is on the minus strand). VCF-style: chr9-137010678-T-C. GRCh37 (hg19) VCF-style: chr9-139905130-T-C.
Other names: c.6206A>G (NM_212533.2); c.6113A>G, p.Gln2038Arg (NM_001411042.1); c.6206A>G, p.Gln2069Arg (NM_212533.3); short protein forms Q2038R, Q2039R, Q2069R.
Identifiers: ClinVar variation 2438714 (VCV002438714.7), dbSNP rs377050255, ClinGen allele CA5353739.